The following is an entry in ClinVar:

ClinVar aggregate classification (germline): Uncertain significance. Review status: criteria provided, multiple submitters, no conflicts (2 of 4 stars). 2 submissions from 2 submitters: Uncertain significance (2). Last evaluated 2025-06-10.

Conditions:
Carney complex, type 1 (CNC1). Also called: CARNEY MYXOMA-ENDOCRINE COMPLEX; CARNEY COMPLEX, TYPE I. Identifiers: Orphanet 1359, MedGen C2607929, MONDO:0008057, OMIM 160980.
Hereditary cancer-predisposing syndrome. Also called: Hereditary Cancer Syndrome; Tumor predisposition; Hereditary neoplastic syndrome; Neoplastic Syndromes, Hereditary. Identifiers: Orphanet 140162, MedGen C0027672, MeSH D009386, MONDO:0015356.

Allele frequency attached by ClinVar (database versions not stated): gnomAD exomes below 0.00001 and 0.00001.
gnomAD v4.1: 3 of 1,613,996 alleles (0.00019%); highest among the groups gnomAD compares: East Asian, 0.0067%; no homozygotes.

Submissions (2):

Ambry Genetics
Classification: Uncertain significance for Hereditary cancer-predisposing syndrome. Last evaluated: 2025-06-10. Review status: criteria provided, single submitter. Criteria: Ambry Variant Classification Scheme 2023. Collection method: clinical testing. Allele origin: germline.
Comment: The p.V284L variant (also known as c.850G>T), located in coding exon 8 of the PRKAR1A gene, results from a G to T substitution at nucleotide position 850. The valine at codon 284 is replaced by leucine, an amino acid with highly similar properties. This amino acid position is conserved. In addition, the in silico prediction for this alteration is inconclusive. Since supporting evidence is limited at this time, the clinical significance of this alteration remains unclear.

Labcorp Genetics (formerly Invitae), Labcorp
Classification: Uncertain significance for Carney complex, type 1. Last evaluated: 2023-02-24. Review status: criteria provided, single submitter. Criteria: Invitae Variant Classification Sherloc (09022015). Collection method: clinical testing. Allele origin: germline.
Comment: In summary, the available evidence is currently insufficient to determine the role of this variant in disease. Therefore, it has been classified as a Variant of Uncertain Significance. Advanced modeling of protein sequence and biophysical properties (such as structural, functional, and spatial information, amino acid conservation, physicochemical variation, residue mobility, and thermodynamic stability) performed at Invitae indicates that this missense variant is not expected to disrupt PRKAR1A protein function. ClinVar contains an entry for this variant (Variation ID: 1043008). This variant has not been reported in the literature in individuals affected with PRKAR1A-related conditions. This variant is present in population databases (no rsID available, gnomAD 0.006%). This sequence change replaces valine, which is neutral and non-polar, with leucine, which is neutral and non-polar, at codon 284 of the PRKAR1A protein (p.Val284Leu).

NM_002734.5(PRKAR1A):c.850G>T (p.Val284Leu)

Gene: PRKAR1A (protein kinase cAMP-dependent type I regulatory subunit alpha; plus strand). Cytogenetic location: 17q24.2.
Variant type: single nucleotide variant.
Coding change: c.850G>T on transcript NM_002734.5 (MANE Select); coding-DNA position 850, G replaced by T.
Protein change: p.Val284Leu; replaces valine 284 with leucine.
Molecular consequence: missense variant.
Genome position (GRCh38, 1-based): chr17:68,528,950, G>T. VCF-style: chr17-68528950-G-T. GRCh37 (hg19) VCF-style: chr17-66525091-G-T.
Other names: c.850G>T, p.Val284Leu (NM_001276289.2, NM_001276290.1, NM_001278433.2 and 4 more transcripts); short protein forms V284L.
Identifiers: ClinVar variation 1043008 (VCV001043008.12), dbSNP rs1264572252, ClinGen allele CA400753963.